The following is an entry in ClinVar:

ClinVar aggregate classification (germline): Uncertain significance (1 of 4 stars; one submission).

Submission:

Labcorp Genetics (formerly Invitae), Labcorp
Classification: Uncertain significance. Last evaluated: 2022-06-29. Review status: criteria provided, single submitter. Criteria: Invitae Variant Classification Sherloc (09022015). Collection method: clinical testing. Allele origin: germline.
Comment: This variant is not present in population databases (gnomAD no frequency). This sequence change falls in intron 4 of the FRMD7 gene. It does not directly change the encoded amino acid sequence of the FRMD7 protein. It affects a nucleotide within the consensus splice site. In summary, the available evidence is currently insufficient to determine the role of this variant in disease. Therefore, it has been classified as a Variant of Uncertain Significance. Variants that disrupt the consensus splice site are a relatively common cause of aberrant splicing (PMID: 17576681, 9536098). Algorithms developed to predict the effect of sequence changes on RNA splicing suggest that this variant may disrupt the consensus splice site. This variant has not been reported in the literature in individuals affected with FRMD7-related conditions.

Literature cited by the submitters: PubMed 17576681; PubMed 9536098.

NM_194277.3(FRMD7):c.285-3C>G

Gene: FRMD7 (FERM domain containing 7; minus strand). Cytogenetic location: Xq26.2.
Variant type: single nucleotide variant.
Coding change: c.285-3C>G on transcript NM_194277.3 (MANE Select); 3 bases into the intron before coding-DNA position 285, C replaced by G.
Molecular consequence: intron variant.
Genome position (GRCh38, 1-based): chrX:132,094,142, G>C on the plus strand (C>G on the coding strand, the complement: FRMD7 is on the minus strand). VCF-style: chrX-132094142-G-C. GRCh37 (hg19) VCF-style: chrX-131228170-G-C.
Other names: c.240-3C>G (NM_001306193.2).
Identifiers: ClinVar variation 2009832 (VCV002009832.4), dbSNP rs750320516, ClinGen allele CA2580101563.